The following is an entry in ClinVar:

NM_001142864.4(PIEZO1):c.4363G>A (p.Ala1455Thr)

Gene: PIEZO1 (piezo type mechanosensitive ion channel component 1 (Er blood group); minus strand). Cytogenetic location: 16q24.3.
Variant type: single nucleotide variant.
Coding change: c.4363G>A on transcript NM_001142864.4 (MANE Select); coding-DNA position 4363, G replaced by A.
Protein change: p.Ala1455Thr; replaces alanine 1455 with threonine.
Molecular consequence: missense variant.
Genome position (GRCh38, 1-based): chr16:88,723,301, C>T on the plus strand (G>A on the coding strand, the complement: PIEZO1 is on the minus strand). VCF-style: chr16-88723301-C-T. GRCh37 (hg19) VCF-style: chr16-88789709-C-T.
Other names: p.Ala1455Thr; short protein forms A1455T.
Identifiers: ClinVar variation 774342 (VCV000774342.40), dbSNP rs191656121, ClinGen allele CA8232171.

ClinVar aggregate classification (germline): Conflicting classifications of pathogenicity. Review status: criteria provided, conflicting classifications (1 of 4 stars). 7 submissions from 7 submitters: Uncertain significance (2); Benign (1); Likely benign (4). Last evaluated 2026-04-01.

Conditions:
Inborn genetic diseases. Identifiers: MedGen C0950123, MeSH D030342.

Allele frequency attached by ClinVar (database versions not stated): 1000 Genomes Project 0.00120; TOPMed 0.00121; 1000 Genomes Project 30x 0.00156; gnomAD 0.00156 and 0.00158; gnomAD exomes 0.00171; ExAC 0.00236.
gnomAD v4.1: 2,320 of 1,539,720 alleles (0.15%); highest among the groups gnomAD compares: Middle Eastern, 0.53%; 9 homozygotes.

Submissions (7):

CeGaT Center for Human Genetics Tuebingen
Classification: Likely benign. Last evaluated: 2026-04-01. Review status: criteria provided, single submitter. Criteria: CeGaT Center For Human Genetics Tuebingen Variant Classification Criteria Version 2. Collection method: clinical testing. Allele origin: germline. Affected: yes. Observed: 8 variant alleles.
Comment: PIEZO1: BS2

Mayo Clinic Laboratories, Mayo Clinic
Classification: Uncertain significance. Last evaluated: 2025-11-21. Review status: criteria provided, single submitter. Criteria: ACMG Guidelines, 2015. Collection method: clinical testing. Allele origin: germline. Observed: 8 variant alleles.
Comment: BP4_moderate

Labcorp Genetics (formerly Invitae), Labcorp
Classification: Likely benign. Last evaluated: 2025-10-02. Review status: criteria provided, single submitter. Criteria: Invitae Variant Classification Sherloc (09022015). Collection method: clinical testing. Allele origin: germline.

ARUP Laboratories, Molecular Genetics and Genomics, ARUP Laboratories
Classification: Benign. Last evaluated: 2025-07-17. Review status: criteria provided, single submitter. Criteria: ARUP Molecular Germline Variant Investigation Process 2024. Collection method: clinical testing. Allele origin: germline.

Blueprint Genetics
Classification: Likely benign. Last evaluated: 2024-11-26. Review status: criteria provided, single submitter. Criteria: ACMG Guidelines, 2015. Collection method: clinical testing. Allele origin: germline.

Ambry Genetics
Classification: Uncertain significance for Inborn genetic diseases. Last evaluated: 2021-10-12. Review status: criteria provided, single submitter. Criteria: Ambry Variant Classification Scheme 2023. Collection method: clinical testing. Allele origin: germline.

Breakthrough Genomics
Classification: Likely benign. Review status: criteria provided, single submitter. Criteria: ACMG Guidelines, 2015. Collection method: not provided. Allele origin: germline. Inheritance: Autosomal recessive inheritance. Affected: yes.

Literature cited by the submitters: PubMed 37246471 (cited by Mayo Clinic Laboratories, Mayo Clinic); PubMed 37558589 (cited by Mayo Clinic Laboratories, Mayo Clinic).